The following is an entry in ClinVar:

ClinVar aggregate classification (germline): Conflicting classifications of pathogenicity. Review status: criteria provided, conflicting classifications (1 of 4 stars). 2 submissions from 2 submitters: Likely pathogenic (1); Uncertain significance (1). Last evaluated 2023-02-28.

Conditions:
Autosomal recessive nonsyndromic hearing loss 12. Also called: DEAFNESS, AUTOSOMAL RECESSIVE 12. Identifiers: Orphanet 90636, MedGen C1832394, MONDO:0011067, OMIM 601386.

gnomAD v4.1: 9 of 1,613,826 alleles (0.00056%); highest among the groups gnomAD compares: Middle Eastern, 0.016%; no homozygotes.

Submissions (2):

King Laboratory, University of Washington
Classification: Likely pathogenic for Autosomal recessive nonsyndromic hearing loss 12. Last evaluated: 2023-02-28. Review status: criteria provided, single submitter. Criteria: Li et al. (Genet Med. 2022). Collection method: research. Allele origin: unknown. Affected: yes.
Comment: This variant occurred in compound heterozygosity with a CDH23 missense variant in a patient with bilateral sensorineural hearing loss of onset <18 years, in a study of pediatric hearing loss conducted by the King Laboratory (Carlson RJ et al. JAMA-OtoHNS 2023). This variant is a missense at a completely conserved site in a cadherin domain of the CDH23 protein and is predicted to be damaging by multiple in-silico tools. As of January 2023, this variant has not been reported to ClinVar and is found in 1 heterozygote on gnomAD. Based on consistently predicted functional effect and goodness of fit of genotype to phenotype, we conclude that this variant is likely pathogenic.

Labcorp Genetics (formerly Invitae), Labcorp
Classification: Uncertain significance. Last evaluated: 2022-06-04. Review status: criteria provided, single submitter. Criteria: Invitae Variant Classification Sherloc (09022015). Collection method: clinical testing. Allele origin: germline.
Comment: This sequence change replaces arginine, which is basic and polar, with tryptophan, which is neutral and slightly polar, at codon 2793 of the CDH23 protein (p.Arg2793Trp). This variant is present in population databases (rs749203752, gnomAD 0.0009%). This missense change has been observed in individual(s) with deafness (PMID: 30622556). Algorithms developed to predict the effect of missense changes on protein structure and function are either unavailable or do not agree on the potential impact of this missense change (SIFT: "Deleterious"; PolyPhen-2: "Not Available"; Align-GVGD: "Class C0"). In summary, the available evidence is currently insufficient to determine the role of this variant in disease. Therefore, it has been classified as a Variant of Uncertain Significance.

Literature cited by the submitters: PubMed 36633841 (cited by King Laboratory, University of Washington); PubMed 30622556 (cited by Labcorp Genetics (formerly Invitae), Labcorp).

NM_022124.6(CDH23):c.8377C>T (p.Arg2793Trp)

Gene: CDH23 (cadherin related 23; plus strand). Cytogenetic location: 10q22.1.
Variant type: single nucleotide variant.
Coding change: c.8377C>T on transcript NM_022124.6 (MANE Select); coding-DNA position 8377, C replaced by T.
Protein change: p.Arg2793Trp; replaces arginine 2793 with tryptophan.
Molecular consequence: missense variant.
Genome position (GRCh38, 1-based): chr10:71,807,584, C>T. VCF-style: chr10-71807584-C-T. GRCh37 (hg19) VCF-style: chr10-73567341-C-T.
Other names: c.1657C>T, p.Arg553Trp (NM_001171933.1, NM_001171934.1); short protein forms R553W, R2793W.
Identifiers: ClinVar variation 2159487 (VCV002159487.2), dbSNP rs749203752, ClinGen allele CA5546636.